The following continues an entry in ClinVar:

NM_000435.3(NOTCH3):c.3664T>G (p.Cys1222Gly)

Gene: NOTCH3. ClinVar aggregate classification (germline): Conflicting classifications of pathogenicity. Likely pathogenic (1); Uncertain significance (10).

Submissions 7 to 11 of 11:

Victorian Clinical Genetics Services, Murdoch Childrens Research Institute
Classification: Uncertain significance for Cerebral arteriopathy, autosomal dominant, with subcortical infarcts and leukoencephalopathy, type 1. Last evaluated: 2024-09-20. Review status: criteria provided, single submitter. Criteria: ACMG Guidelines, 2015. Collection method: clinical testing. Allele origin: germline. Inheritance: Autosomal dominant inheritance. Affected: yes.
Comment: Based on the classification scheme VCGS_Germline_v1.3.4, this variant is classified as VUS-3A. Following criteria are met: 0105 - The mechanism of disease for this gene is not clearly established. Both loss of function and dominant negative have been suggested as mechanisms in CADASIL (MIM#125310), however lateral meningocele syndrome (MIM#130720) results from a gain of function (OMIM). (I) 0107 - This gene is associated with autosomal dominant disease. (I) 0115 - Variants in this gene are known to have variable expressivity. The p.(Arg544Cys) variant is associated with a later age of onset and milder clinical features than other NOTCH3 variants (GeneReviews, PMID: 26308724). (I) 0200 - Variant is predicted to result in a missense amino acid change from cysteine to glycine. (I) 0251 - This variant is heterozygous. (I) 0302 - Variant is present in gnomAD (v2, v3) <0.001 for a dominant condition (42 heterozygotes, 0 homozygotes). (SP) 0501 - Missense variant consistently predicted to be damaging by multiple in silico tools or highly conserved with a major amino acid change. (SP) 0602 - Variant is located in a hotspot region or cluster of pathogenic variants. This variant affects a cysteine residue involved in disulfide bonding (DECIPHER, PMID: 32732295). (SP) 0705 - No comparable missense variants have previous evidence for pathogenicity. (I) 0809 - Previous evidence of pathogenicity for this variant is inconclusive. This variant has been reported once as pathogenic, and more commonly as a VUS (ClinVar). It has been observed in at least three individuals with CADASIL (PMID: 24840674, PMID: 36401683), four individuals with Parkinsons disease or stroke (PMID: 26305465, PMID: 32573853, PMID: 31719132), and also in a healthy control with subtle white matter hyperintensities (PMID: 32732295). Lastly, this variant is highly prevalent in the UK Biobank cohort (PMID: 36300346). (I) 0905 - No published segregation evidence has been identified for this variant. (I) 1007 - No published functional evidence has been identified for this variant. (I) 1208 - Inheritance information for this variant is not currently available in this individual. (I) Legend: (SP) - Supporting pathogenic, (I) - Information, (SB) - Supporting benign

Mayo Clinic Laboratories, Mayo Clinic
Classification: Uncertain significance. Last evaluated: 2024-09-17. Review status: criteria provided, single submitter. Criteria: ACMG Guidelines, 2015. Collection method: clinical testing. Allele origin: germline. Observed: 1 variant allele.
Comment: PP2, PM1, PM2

ARUP Laboratories, Molecular Genetics and Genomics, ARUP Laboratories
Classification: Uncertain significance. Last evaluated: 2024-09-05. Review status: criteria provided, single submitter. Criteria: ARUP Molecular Germline Variant Investigation Process 2024. Collection method: clinical testing. Allele origin: germline.
Comment: The NOTCH3 c.3664T>G; p.Cys1222Gly variant (rs199638166, ClinVar Variation ID: 425164) is reported in the literature in several individuals and families with clinical features of CADASIL (Cho 2022, Juhosova 2023, Kilarski 2015, Moreton 2014, Ramirez 2020, Rutten 2020, Tan 2019). This variant is found in the non-Finnish European population with an allele frequency of 0.02% (28/128,560 alleles) in the Genome Aggregation Database (v2.1.1). Additionally, the p.Cys1222Gly variant was found in 212 Caucasian individuals in the UK biobank (Cho 2022). Computational analyses are uncertain whether this variant is neutral or deleterious (REVEL: 0.524). Most pathogenic NOTCH3 variants occur in exons 2-24 and either create or destroy a cysteine residue within an EGF-like domain (Rutten 2014). However, due to conflicting information, the clinical significance of this variant is uncertain at this time. References: Cho BPH et al. Association of Vascular Risk Factors and Genetic Factors With Penetrance of Variants Causing Monogenic Stroke. JAMA Neurol. 2022 Dec 1;79(12):1303-1311. PMID: 36300346. Juhosova M et al. Influence of different spectra of NOTCH3 variants on the clinical phenotype of CADASIL - experience from Slovakia. Neurogenetics. 2023 Jan;24(1):1-16. PMID: 36401683. Kilarski LL et al. Prevalence of CADASIL and Fabry Disease in a Cohort of MRI Defined Younger Onset Lacunar Stroke. PLoS One. 2015 Aug 25;10(8):e0136352. PMID: 26305465. Moreton FC et al. Changing clinical patterns and increasing prevalence in CADASIL. Acta Neurol Scand. 2014 Sep;130(3):197-203. PMID: 24840674. Ramirez J et al. Parkinson's Disease, NOTCH3 Genetic Variants, and White Matter Hyperintensities. Mov Disord. 2020 Nov;35(11):2090-2095. PMID: 32573853. Rutten JW et al. Broad phenotype of cysteine-altering NOTCH3 variants in UK Biobank: CADASIL to nonpenetrance. Neurology. 2020 Sep 29;95(13):e1835-e1843. PMID: 32732295. Rutten JW et al. Interpretation of NOTCH3 mutations in the diagnosis of CADASIL. Expert Rev Mol Diagn. 2014 Jun;14(5):593-603. PMID: 24844136. Tan RYY et al. How common are single gene mutations as a cause for lacunar stroke? A targeted gene panel study. Neurology. 2019 Nov 26;93(22):e2007-e2020. PMID: 31719132.

Institute of Human Genetics, University of Leipzig Medical Center
Classification: Uncertain significance for Cerebral arteriopathy, autosomal dominant, with subcortical infarcts and leukoencephalopathy, type 1. Last evaluated: 2019-01-01. Review status: criteria provided, single submitter. Criteria: ACMG Guidelines, 2015. Collection method: clinical testing. Allele origin: unknown. Affected: yes.

Genetic Services Laboratory, University of Chicago
Classification: Uncertain significance. Last evaluated: 2017-05-10. Review status: criteria provided, single submitter. Criteria: ACMG Guidelines, 2015. Collection method: clinical testing. Allele origin: germline. Affected: no.

Literature cited by the submitters: PubMed 24840674 (cited by 5 submitters); PubMed 26305465 (cited by 5 submitters); PubMed 32573853 (cited by 5 submitters); PubMed 36401683 (cited by 5 submitters); PubMed 31719132 (cited by 4 submitters); PubMed 35641310 (cited by Women's Health and Genetics/Laboratory Corporation of America, LabCorp); PubMed 27844030 (cited by 3 submitters); PubMed 32732295 (cited by 4 submitters); PubMed 39271666 (cited by Athena Diagnostics); PubMed 32106772 (cited by Athena Diagnostics); PubMed 28003435 (cited by Athena Diagnostics); PubMed 36300346 (cited by 3 submitters); PubMed 26308724 (cited by Victorian Clinical Genetics Services, Murdoch Childrens Research Institute); PubMed 36044383 (cited by Mayo Clinic Laboratories, Mayo Clinic); PubMed 38790158 (cited by Mayo Clinic Laboratories, Mayo Clinic).